The following is an entry in ClinVar:

ClinVar aggregate classification (germline): Uncertain significance (1 of 4 stars; one submission).

Conditions:
Werner syndrome (WRN). Identifiers: Orphanet 902, MedGen C0043119, MONDO:0010196, OMIM 277700.

Allele frequency attached by ClinVar (database versions not stated): ExAC 0.00001; gnomAD exomes 0.00002.
gnomAD v4.1: 23 of 1,613,678 alleles (0.0014%); highest among the groups gnomAD compares: South Asian, 0.0077%; no homozygotes.

Submission:

Labcorp Genetics (formerly Invitae), Labcorp
Classification: Uncertain significance for Werner syndrome. Last evaluated: 2025-10-17. Review status: criteria provided, single submitter. Criteria: Invitae Variant Classification Sherloc (09022015). Collection method: clinical testing. Allele origin: germline.
Comment: This sequence change replaces aspartic acid, which is acidic and polar, with glycine, which is neutral and non-polar, at codon 396 of the WRN protein (p.Asp396Gly). This variant is present in population databases (rs755298910, gnomAD 0.01%). This variant has not been reported in the literature in individuals affected with WRN-related conditions. ClinVar contains an entry for this variant (Variation ID: 661799). An algorithm developed to predict the effect of missense changes on protein structure and function (PolyPhen-2) suggests that this variant is likely to be tolerated. Algorithms developed to predict the effect of sequence changes on RNA splicing suggest that this variant may create or strengthen a splice site. In summary, the available evidence is currently insufficient to determine the role of this variant in disease. Therefore, it has been classified as a Variant of Uncertain Significance.

NM_000553.6(WRN):c.1187A>G (p.Asp396Gly)

Gene: WRN (WRN RecQ like helicase; plus strand). Cytogenetic location: 8p12.
Variant type: single nucleotide variant.
Coding change: c.1187A>G on transcript NM_000553.6 (MANE Select); coding-DNA position 1187, A replaced by G.
Protein change: p.Asp396Gly; replaces aspartic acid 396 with glycine.
Molecular consequence: missense variant.
Genome position (GRCh38, 1-based): chr8:31,081,214, A>G. VCF-style: chr8-31081214-A-G. GRCh37 (hg19) VCF-style: chr8-30938730-A-G.
Other names: short protein forms D396G.
Identifiers: ClinVar variation 661799 (VCV000661799.4), dbSNP rs755298910, ClinGen allele CA4704266.
Genomic context (GRCh38, chr8:31,081,214, plus strand): 5'-ATGGAGTAGAAGACAACAAATTGAAAGAGAATATGGAAAGAGCTTGTTTGATGTCGTTAG[A>G]TATTACAGAACATGAACTCCAAATTTTGGAACAGCAGTCTCAGGAAGAATATCTTAGTGA-3'
Protein context (NP_000544.2, residues 386-406): NMERACLMSL[Asp396Gly]ITEHELQILE